The following is an entry in ClinVar:

NM_003482.4(KMT2D):c.3016G>C (p.Gly1006Arg)

Gene: KMT2D (lysine methyltransferase 2D; minus strand). Cytogenetic location: 12q13.12.
Variant type: single nucleotide variant.
Coding change: c.3016G>C on transcript NM_003482.4 (MANE Select); coding-DNA position 3016, G replaced by C.
Protein change: p.Gly1006Arg; replaces glycine 1006 with arginine.
Molecular consequence: missense variant.
Genome position (GRCh38, 1-based): chr12:49,050,572, C>G on the plus strand (G>C on the coding strand, the complement: KMT2D is on the minus strand). VCF-style: chr12-49050572-C-G. GRCh37 (hg19) VCF-style: chr12-49444355-C-G.
Other names: short protein forms G1006R.
Identifiers: ClinVar variation 1215194 (VCV001215194.13), dbSNP rs781358154, ClinGen allele CA6548139.
Genomic context (GRCh38, chr12:49,050,572, plus strand): 5'-GCGAACACTGAGGAGGAAGGGGCTCCATCAGGATGGGAGAAGCCGGCCCCACTGGGGAGC[C>G]TGGAGATGGGGGAAGGATCATAGGGGGGACAGGCTCAGGGTCAGTGCAGTTAGCTTCTGG-3'
Protein context (NP_003473.3, residues 996-1016): VPPMILPPSP[Gly1006Arg]SPVGPASPIL

ClinVar aggregate classification (germline): Benign/Likely benign. Review status: criteria provided, multiple submitters, no conflicts (2 of 4 stars). 4 submissions from 4 submitters: Benign (1); Likely benign (2). 1 of the submissions does not count toward it. Last evaluated 2026-01-18.

Conditions:
Inborn genetic diseases. Identifiers: MedGen C0950123, MeSH D030342.
KMT2D-related disorder. Also called: KMT2D-Related Disorders.
Kabuki syndrome. Also called: NIIKAWA-KUROKI SYNDROME; Kabuki make-up syndrome. Identifiers: Orphanet 2322, MedGen C0796004, MONDO:0016512.

Allele frequency attached by ClinVar (database versions not stated): ExAC 0.00001; gnomAD exomes 0.00001; gnomAD 0.00003 and 0.00004; TOPMed 0.00013.
gnomAD v4.1: 9 of 1,603,302 alleles (0.00056%); highest among the groups gnomAD compares: Admixed American, 0.01%; no homozygotes.

Submissions (4):

Labcorp Genetics (formerly Invitae), Labcorp
Classification: Benign for Kabuki syndrome. Last evaluated: 2026-01-18. Review status: criteria provided, single submitter. Criteria: Invitae Variant Classification Sherloc (09022015). Collection method: clinical testing. Allele origin: germline.

Ambry Genetics
Classification: Likely benign for Inborn genetic diseases. Last evaluated: 2021-07-15. Review status: criteria provided, single submitter. Criteria: Ambry Variant Classification Scheme 2023. Collection method: clinical testing. Allele origin: germline.

GeneDx
Classification: Likely benign. Last evaluated: 2021-02-11. Review status: criteria provided, single submitter. Criteria: GeneDx Variant Classification Process June 2021. Collection method: clinical testing. Allele origin: germline. Affected: yes.
Comment: In silico analysis supports that this missense variant does not alter protein structure/function; Has not been previously published as pathogenic or benign to our knowledge

PreventionGenetics, part of Exact Sciences
Classification: Uncertain significance for KMT2D-related condition. Last evaluated: 2024-06-04. Review status: no assertion criteria provided. Collection method: clinical testing. Allele origin: germline. Not counted in ClinVar's aggregate classification.
Comment: The KMT2D c.3016G>C variant is predicted to result in the amino acid substitution p.Gly1006Arg. To our knowledge, this variant has not been reported in the literature. This variant is reported in 0.0059% of alleles in individuals of Latino descent in gnomAD. At this time, the clinical significance of this variant is uncertain due to the absence of conclusive functional and genetic evidence.